The following is an entry in ClinVar:

ClinVar aggregate classification (germline): Conflicting classifications of pathogenicity. Review status: criteria provided, conflicting classifications (1 of 4 stars). 3 submissions from 3 submitters: Uncertain significance (1); Likely benign (2). Last evaluated 2026-09-21.

Conditions:
Catecholaminergic polymorphic ventricular tachycardia 1. Also called: RYR2-Related Catecholaminergic Polymorphic Ventricular Tachycardia; VENTRICULAR TACHYCARDIA, CATECHOLAMINERGIC POLYMORPHIC, 1, WITH OR WITHOUT ATRIAL DYSFUNCTION AND/OR DILATED CARDIOMYOPATHY; VENTRICULAR TACHYCARDIA, STRESS-INDUCED POLYMORPHIC 1. Identifiers: Orphanet 3286, MedGen C1631597, MONDO:0011484, OMIM 604772.

Allele frequency attached by ClinVar (database versions not stated): gnomAD 0.00002 and 0.00004.
gnomAD v4.1: 49 of 1,606,798 alleles (0.003%); highest among the groups gnomAD compares: Middle Eastern, 0.034%; no homozygotes.

Submissions (3):

Molecular Diagnostic Laboratory for Inherited Cardiovascular Disease, Montreal Heart Institute
Classification: Likely benign. Last evaluated: 2026-09-21. Review status: criteria provided, single submitter. Criteria: ACMG Guidelines, 2015. Collection method: clinical testing. Allele origin: germline. Affected: no.
Comment: BS1;BP4

Labcorp Genetics (formerly Invitae), Labcorp
Classification: Uncertain significance for Catecholaminergic polymorphic ventricular tachycardia 1. Last evaluated: 2025-01-19. Review status: criteria provided, single submitter. Criteria: Invitae Variant Classification Sherloc (09022015). Collection method: clinical testing. Allele origin: germline.
Comment: This sequence change falls in intron 6 of the CASQ2 gene. It does not directly change the encoded amino acid sequence of the CASQ2 protein. It affects a nucleotide within the consensus splice site. This variant is present in population databases (rs760688872, gnomAD 0.03%). This variant has not been reported in the literature in individuals affected with CASQ2-related conditions. ClinVar contains an entry for this variant (Variation ID: 1222044). Variants that disrupt the consensus splice site are a relatively common cause of aberrant splicing (PMID: 17576681, 9536098). Algorithms developed to predict the effect of sequence changes on RNA splicing suggest that this variant is not likely to affect RNA splicing. In summary, the available evidence is currently insufficient to determine the role of this variant in disease. Therefore, it has been classified as a Variant of Uncertain Significance.

GeneDx
Classification: Likely benign. Last evaluated: 2021-02-23. Review status: criteria provided, single submitter. Criteria: GeneDx Variant Classification Process June 2021. Collection method: clinical testing. Allele origin: germline. Affected: yes.

Literature cited by the submitters: PubMed 17576681 (cited by Labcorp Genetics (formerly Invitae), Labcorp); PubMed 9536098 (cited by Labcorp Genetics (formerly Invitae), Labcorp).

NM_001232.4(CASQ2):c.737+6T>A

Gene: CASQ2 (calsequestrin 2; minus strand). Cytogenetic location: 1p13.1.
Variant type: single nucleotide variant.
Coding change: c.737+6T>A on transcript NM_001232.4 (MANE Select); 6 bases into the intron after coding-DNA position 737, T replaced by A.
Molecular consequence: intron variant.
Genome position (GRCh38, 1-based): chr1:115,726,986, A>T on the plus strand (T>A on the coding strand, the complement: CASQ2 is on the minus strand). VCF-style: chr1-115726986-A-T. GRCh37 (hg19) VCF-style: chr1-116269607-A-T.
Other names: c.737+6T>A (NM_001232.3).
Identifiers: ClinVar variation 1222044 (VCV001222044.8), dbSNP rs760688872, ClinGen allele CA1023810.